The following is an entry in ClinVar:

NM_000083.3(CLCN1):c.1262G>T (p.Arg421Leu)

Gene: CLCN1 (chloride voltage-gated channel 1; plus strand). Cytogenetic location: 7q34.
Variant type: single nucleotide variant.
Coding change: c.1262G>T on transcript NM_000083.3 (MANE Select); coding-DNA position 1262, G replaced by T.
Protein change: p.Arg421Leu; replaces arginine 421 with leucine.
Molecular consequence: missense variant.
Genome position (GRCh38, 1-based): chr7:143,332,734, G>T. VCF-style: chr7-143332734-G-T. GRCh37 (hg19) VCF-style: chr7-143029827-G-T.
Other names: short protein forms R421L.
Identifiers: ClinVar variation 585678 (VCV000585678.6), dbSNP rs780834658, ClinGen allele CA168214305.

ClinVar aggregate classification (germline): Conflicting classifications of pathogenicity. Review status: criteria provided, conflicting classifications (1 of 4 stars). 2 submissions from 2 submitters: Likely pathogenic (1); Uncertain significance (1). Last evaluated 2024-06-06.

Conditions:
Congenital myotonia, autosomal dominant form (THD). Also called: THOMSEN DISEASE; Myotonia congenita autosomal dominant. Identifiers: Orphanet 614, MedGen C2936781, MONDO:0008055, OMIM 160800.
Congenital myotonia, autosomal recessive form. Also called: BECKER DISEASE; Becker Generalized Myotonia; myotonia congenita, autosomal recessive. Identifiers: Orphanet 614, MedGen C0751360, MONDO:0009715, OMIM 255700.

gnomAD v4.1: 6 of 1,614,094 alleles (0.00037%); highest among the groups gnomAD compares: Non-Finnish European, 0.00051%; no homozygotes.

Submissions (2):

Labcorp Genetics (formerly Invitae), Labcorp
Classification: Likely pathogenic for Congenital myotonia, autosomal recessive form; Congenital myotonia, autosomal dominant form. Last evaluated: 2024-06-06. Review status: criteria provided, single submitter. Criteria: Invitae Variant Classification Sherloc (09022015). Collection method: clinical testing. Allele origin: germline.
Comment: This sequence change replaces arginine, which is basic and polar, with leucine, which is neutral and non-polar, at codon 421 of the CLCN1 protein (p.Arg421Leu). This variant is not present in population databases (gnomAD no frequency). This missense change has been observed in individual(s) with clinical features of autosomal recessive myotonia congenita (PMID: 32670189; Invitae). ClinVar contains an entry for this variant (Variation ID: 585678). Advanced modeling of protein sequence and biophysical properties (such as structural, functional, and spatial information, amino acid conservation, physicochemical variation, residue mobility, and thermodynamic stability) performed at Invitae indicates that this missense variant is expected to disrupt CLCN1 protein function with a positive predictive value of 80%. This variant disrupts the p.Arg421 amino acid residue in CLCN1. Other variant(s) that disrupt this residue have been determined to be pathogenic (PMID: 22094069, 23113340, 23739125). This suggests that this residue is clinically significant, and that variants that disrupt this residue are likely to be disease-causing. In summary, the currently available evidence indicates that the variant is pathogenic, but additional data are needed to prove that conclusively. Therefore, this variant has been classified as Likely Pathogenic.

Athena Diagnostics
Classification: Uncertain significance. Last evaluated: 2019-09-23. Review status: criteria provided, single submitter. Criteria: Athena Diagnostics criteria. Collection method: clinical testing. Allele origin: unknown.

Literature cited by the submitters: PubMed 32670189 (cited by Labcorp Genetics (formerly Invitae), Labcorp); PubMed 22094069 (cited by Labcorp Genetics (formerly Invitae), Labcorp); PubMed 23113340 (cited by Labcorp Genetics (formerly Invitae), Labcorp); PubMed 23739125 (cited by Labcorp Genetics (formerly Invitae), Labcorp).